The following is an entry in ClinVar:

ClinVar aggregate classification (germline): Benign (1 of 4 stars; one submission).

Conditions:
Isolated focal non-epidermolytic palmoplantar keratoderma. Also called: Palmoplantar keratoderma, nonepidermolytic, focal 2. Identifiers: Orphanet 448264, MedGen C4225339, MONDO:0014622, OMIM 616400.

Allele frequency attached by ClinVar (database versions not stated): TOPMed 0.00384; 1000 Genomes Project 0.00240; gnomAD exomes 0.00469; 1000 Genomes Project 30x 0.00265; gnomAD 0.00408 and 0.00407.
gnomAD v4.1: 618 of 152,930 alleles (0.4%); highest among the groups gnomAD compares: Non-Finnish European, 0.75%; 5 homozygotes.

Submission:

Illumina Laboratory Services, Illumina
Classification: Benign for Isolated focal non-epidermolytic palmoplantar keratoderma. Last evaluated: 2018-01-13. Review status: criteria provided, single submitter. Criteria: ICSL Variant Classification Criteria 13 December 2019. Collection method: clinical testing. Allele origin: germline.
Comment: This variant was observed in the ICSL laboratory as part of a predisposition screen in an ostensibly healthy population. It had not been previously curated by ICSL or reported in the Human Gene Mutation Database (HGMD: prior to June 1st, 2018), and was therefore a candidate for classification through an automated scoring system. Utilizing variant allele frequency, disease prevalence and penetrance estimates, and inheritance mode, an automated score was calculated to assess if this variant is too frequent to cause the disease. Based on the score and internal cut-off values, a variant classified as benign is not then subjected to further curation. The score for this variant resulted in a classification of benign for this disease.

NM_145068.4(TRPV3):c.*576A>T

Genes: SPATA22 (spermatogenesis associated 22; minus strand), TRPV3 (transient receptor potential cation channel subfamily V member 3; minus strand). Cytogenetic location: 17p13.2.
Variant type: single nucleotide variant.
Coding change: c.*576A>T on transcript NM_145068.4 (MANE Select); 576 bases downstream of the stop codon, A replaced by T.
Molecular consequence: 3 prime UTR variant. On other transcripts: intron variant (2).
Genome position (GRCh38, 1-based): chr17:3,513,341, T>A on the plus strand (A>T on the coding strand, the complement: TRPV3 is on the minus strand). VCF-style: chr17-3513341-T-A. GRCh37 (hg19) VCF-style: chr17-3416635-T-A.
Other names: c.-74+71A>T (NM_001321336.2, NM_001321337.2); c.*576A>T (NM_001258205.2).
Identifiers: ClinVar variation 322737 (VCV000322737.7), dbSNP rs138748634, ClinGen allele CA10649044.